The following is an entry in ClinVar:

ClinVar aggregate classification (germline): Uncertain significance. Review status: criteria provided, multiple submitters, no conflicts (2 of 4 stars). 3 submissions from 3 submitters: Uncertain significance (3). Last evaluated 2025-01-16.

Conditions:
Aortic aneurysm, familial thoracic 4 (AAT4). Also called: AORTIC ANEURYSM/AORTIC DISSECTION AND PATENT DUCTUS ARTERIOSUS. Identifiers: MedGen C1851504, MONDO:0007568, OMIM 132900.
Visceral myopathy 2. Identifiers: MedGen C5543466, MONDO:0859157, OMIM 619350.
Megacystis-microcolon-intestinal hypoperistalsis syndrome 2. Identifiers: MedGen C5543476, MONDO:0025708, OMIM 619351.
Familial thoracic aortic aneurysm and aortic dissection (TAAD). Also called: Thoracic aortic aneurysms and dissections. Identifiers: Orphanet 91387, MedGen C4707243, MONDO:0019625.

Allele frequency attached by ClinVar (database versions not stated): gnomAD exomes below 0.00001 and 0.00002; ExAC 0.00001.
gnomAD v4.1: 5 of 1,614,134 alleles (0.00031%); highest among the groups gnomAD compares: South Asian, 0.0011%; no homozygotes.

Submissions (3):

Ambry Genetics
Classification: Uncertain significance for Familial thoracic aortic aneurysm and aortic dissection. Last evaluated: 2025-01-16. Review status: criteria provided, single submitter. Criteria: Ambry Variant Classification Scheme 2023. Collection method: clinical testing. Allele origin: germline.
Comment: The p.E1543K variant (also known as c.4627G>A), located in coding exon 32 of the MYH11 gene, results from a G to A substitution at nucleotide position 4627. The glutamic acid at codon 1543 is replaced by lysine, an amino acid with similar properties. This amino acid position is conserved. In addition, this alteration is predicted to be deleterious by in silico analysis. Based on the available evidence, the clinical significance of this variant remains unclear.

Labcorp Genetics (formerly Invitae), Labcorp
Classification: Uncertain significance for Aortic aneurysm, familial thoracic 4. Last evaluated: 2022-08-23. Review status: criteria provided, single submitter. Criteria: Invitae Variant Classification Sherloc (09022015). Collection method: clinical testing. Allele origin: germline.
Comment: In summary, the available evidence is currently insufficient to determine the role of this variant in disease. Therefore, it has been classified as a Variant of Uncertain Significance. Algorithms developed to predict the effect of missense changes on protein structure and function are either unavailable or do not agree on the potential impact of this missense change (SIFT: "Deleterious"; PolyPhen-2: "Probably Damaging"; Align-GVGD: "Class C0"). ClinVar contains an entry for this variant (Variation ID: 1060205). This variant has not been reported in the literature in individuals affected with MYH11-related conditions. This variant is present in population databases (rs758102556, gnomAD 0.01%). This sequence change replaces glutamic acid, which is acidic and polar, with lysine, which is basic and polar, at codon 1550 of the MYH11 protein (p.Glu1550Lys).

Fulgent Genetics
Classification: Uncertain significance for Aortic aneurysm, familial thoracic 4; Visceral myopathy 2; Megacystis-microcolon-intestinal hypoperistalsis syndrome 2. Last evaluated: 2021-09-01. Review status: criteria provided, single submitter. Criteria: ACMG Guidelines, 2015. Collection method: clinical testing. Allele origin: unknown.

NM_002474.3(MYH11):c.4627G>A (p.Glu1543Lys)

Genes: NDE1 (nudE neurodevelopment protein 1; plus strand), MYH11 (myosin heavy chain 11; minus strand). Cytogenetic location: 16p13.11.
Variant type: single nucleotide variant.
Coding change: c.4627G>A on transcript NM_002474.3 (MANE Select); coding-DNA position 4627, G replaced by A.
Protein change: p.Glu1543Lys; replaces glutamic acid 1543 with lysine.
Molecular consequence: missense variant. On other transcripts: intron variant (2).
Genome position (GRCh38, 1-based): chr16:15,721,003, C>T on the plus strand (G>A on the coding strand, the complement: MYH11 is on the minus strand). VCF-style: chr16-15721003-C-T. GRCh37 (hg19) VCF-style: chr16-15814860-C-T.
Other names: c.4648G>A, p.Glu1550Lys (NM_001040113.2, NM_001040114.2); c.4627G>A, p.Glu1543Lys (NM_022844.3); c.948-3188C>T (NM_001143979.2, NM_017668.3); c.4627G>A (NM_002474.2); short protein forms E1543K, E1550K.
Identifiers: ClinVar variation 1060205 (VCV001060205.11), dbSNP rs758102556, ClinGen allele CA7921606.
Genomic context (GRCh38, chr16:15,721,003, plus strand): 5'-GTTTGGCGTCCTCCGTGGCTTGCAGCTCGTCCTCCAGCTCTTCCAGCTGCGTCTTCATCT[C>T]CTCCATCTGGGTCTCCAGGGCCCGCTTGGACTTCTCCAGCTCATGGACCTGCCGGCAGAG-3'
Protein context (NP_002465.1, residues 1533-1553): SKRALETQME[Glu1543Lys]MKTQLEELED